The following is an entry in ClinVar:

NM_001111125.3(IQSEC2):c.2333G>A (p.Arg778Gln)

Gene: IQSEC2 (IQ motif and Sec7 domain ArfGEF 2; minus strand). Cytogenetic location: Xp11.22.
Variant type: single nucleotide variant.
Coding change: c.2333G>A on transcript NM_001111125.3 (MANE Select); coding-DNA position 2333, G replaced by A.
Protein change: p.Arg778Gln; replaces arginine 778 with glutamine.
Molecular consequence: missense variant.
Genome position (GRCh38, 1-based): chrX:53,248,847, C>T on the plus strand (G>A on the coding strand, the complement: IQSEC2 is on the minus strand). VCF-style: chrX-53248847-C-T. GRCh37 (hg19) VCF-style: chrX-53278029-C-T.
Other names: c.1718G>A, p.Arg573Gln (NM_015075.2); short protein forms R778Q, R573Q.
Identifiers: ClinVar variation 471268 (VCV000471268.13), dbSNP rs192071369, ClinGen allele CA10419946.

ClinVar aggregate classification (germline): Benign/Likely benign. Review status: criteria provided, multiple submitters, no conflicts (2 of 4 stars). 3 submissions from 3 submitters: Benign (1); Likely benign (2). Last evaluated 2026-01-23.

Conditions:
Intellectual developmental disorder, X-linked 1. Also called: MENTAL RETARDATION, X-LINKED 18; MENTAL RETARDATION, X-LINKED 78; Intellectual disability, X-linked 1; Atkin Flaitz Patil Smith syndrome. Identifiers: Orphanet 777, MedGen C2931498, MONDO:0010656, OMIM 309530.
Inborn genetic diseases. Identifiers: MedGen C0950123, MeSH D030342.

Allele frequency attached by ClinVar (database versions not stated): gnomAD 0.00003 and 0.00002; ExAC 0.00034; gnomAD exomes 0.00005 and 0.00024; TOPMed 0.00005; 1000 Genomes Project 0.00026; 1000 Genomes Project 30x 0.00021.
gnomAD v4.1: 53 of 1,209,388 alleles (0.0044%); highest among the groups gnomAD compares: Admixed American, 0.11%; no homozygotes.

Submissions (3):

Labcorp Genetics (formerly Invitae), Labcorp
Classification: Benign for Intellectual developmental disorder, X-linked 1. Last evaluated: 2026-01-23. Review status: criteria provided, single submitter. Criteria: Invitae Variant Classification Sherloc (09022015). Collection method: clinical testing. Allele origin: germline.

GeneDx
Classification: Likely benign. Last evaluated: 2018-06-15. Review status: criteria provided, single submitter. Criteria: GeneDx Variant Classification (06012015). Collection method: clinical testing. Allele origin: germline. Affected: yes.
Comment: This variant is considered likely benign or benign based on one or more of the following criteria: it is a conservative change, it occurs at a poorly conserved position in the protein, it is predicted to be benign by multiple in silico algorithms, and/or has population frequency not consistent with disease.

Ambry Genetics
Classification: Likely benign for Inborn genetic diseases. Last evaluated: 2017-09-06. Review status: criteria provided, single submitter. Criteria: Ambry Variant Classification Scheme 2023. Collection method: clinical testing. Allele origin: germline.